The following is an entry in ClinVar:

ClinVar aggregate classification (germline): Uncertain significance (1 of 4 stars; one submission).

Conditions:
Tuberous sclerosis 1 (TSC1). Identifiers: Orphanet 805, MedGen C1854465, MONDO:0008612, OMIM 191100.

Submission:

Labcorp Genetics (formerly Invitae), Labcorp
Classification: Uncertain significance for Tuberous sclerosis 1. Last evaluated: 2020-10-13. Review status: criteria provided, single submitter. Criteria: Invitae Variant Classification Sherloc (09022015). Collection method: clinical testing. Allele origin: germline.
Comment: In summary, the available evidence is currently insufficient to determine the role of this variant in disease. Therefore, it has been classified as a Variant of Uncertain Significance. Algorithms developed to predict the effect of missense changes on protein structure and function are either unavailable or do not agree on the potential impact of this missense change (SIFT: "Deleterious"; PolyPhen-2: "Benign"; Align-GVGD: "Class C0"). This variant has not been reported in the literature in individuals with TSC1-related conditions. This variant is not present in population databases (ExAC no frequency). This sequence change replaces lysine with threonine at codon 918 of the TSC1 protein (p.Lys918Thr). The lysine residue is moderately conserved and there is a moderate physicochemical difference between lysine and threonine.

NM_000368.5(TSC1):c.2753A>C (p.Lys918Thr)

Gene: TSC1 (TSC complex subunit 1; minus strand). Cytogenetic location: 9q34.13.
Variant type: single nucleotide variant.
Coding change: c.2753A>C on transcript NM_000368.5 (MANE Select); coding-DNA position 2753, A replaced by C.
Protein change: p.Lys918Thr; replaces lysine 918 with threonine.
Molecular consequence: missense variant.
Genome position (GRCh38, 1-based): chr9:132,897,483, T>G on the plus strand (A>C on the coding strand, the complement: TSC1 is on the minus strand). VCF-style: chr9-132897483-T-G. GRCh37 (hg19) VCF-style: chr9-135772870-T-G.
Other names: c.2750A>C, p.Lys917Thr (NM_001162426.2); c.2600A>C, p.Lys867Thr (NM_001162427.2); c.2390A>C, p.Lys797Thr (NM_001362177.2); short protein forms K797T, K867T, K917T, K918T.
Identifiers: ClinVar variation 1060442 (VCV001060442.9), dbSNP rs757025842, ClinGen allele CA375369235.